The following is an entry in ClinVar:

ClinVar aggregate classification (germline): Uncertain significance (1 of 4 stars; one submission).

Conditions:
PLXNA3-related disorder. Also called: PLXNA3-related condition.

Submission:

PreventionGenetics, part of Exact Sciences
Classification: Uncertain significance for PLXNA3-related condition. Last evaluated: 2026-04-06. Review status: criteria provided, single submitter. Criteria: ACMG Guidelines, 2015. Collection method: clinical testing. Allele origin: germline.
Comment: The PLXNA3 c.1096C>T variant is predicted to result in the amino acid substitution p.Pro366Ser. To our knowledge, this variant has not been reported in the literature. This variant is reported in 0.0022% of alleles in individuals of European (Non-Finnish) descent in gnomAD. At this time, the clinical significance of this variant is uncertain due to the absence of conclusive functional and genetic evidence.

NM_017514.5(PLXNA3):c.1096C>T (p.Pro366Ser)

Gene: PLXNA3 (plexin A3; plus strand). Cytogenetic location: Xq28.
Variant type: single nucleotide variant.
Coding change: c.1096C>T on transcript NM_017514.5 (MANE Select); coding-DNA position 1096, C replaced by T.
Protein change: p.Pro366Ser; replaces proline 366 with serine.
Molecular consequence: missense variant.
Genome position (GRCh38, 1-based): chrX:154,461,600, C>T. VCF-style: chrX-154461600-C-T. GRCh37 (hg19) VCF-style: chrX-153689940-C-T.
Other names: short protein forms P366S.
Identifiers: ClinVar variation 4979057 (VCV004979057.1).